The following is an entry in ClinVar:

ClinVar aggregate classification (germline): Uncertain significance (1 of 4 stars; one submission).

Conditions:
Familial infantile myasthenia (CMS6). Also called: MYASTHENIC SYNDROME, PRESYNAPTIC, CONGENITAL, ASSOCIATED WITH EPISODIC APNEA; Congenital myasthenic syndrome type 6; MYASTHENIC SYNDROME, CONGENITAL, 6, PRESYNAPTIC. Identifiers: Orphanet 590, MedGen C0393929, MONDO:0009689, OMIM 254210.

gnomAD v4.1: 1 of 1,547,778 alleles (0.000065%); highest among the groups gnomAD compares: East Asian, 0.0024%; no homozygotes.

Submission:

Labcorp Genetics (formerly Invitae), Labcorp
Classification: Uncertain significance for Familial infantile myasthenia. Last evaluated: 2025-07-14. Review status: criteria provided, single submitter. Criteria: Invitae Variant Classification Sherloc (09022015). Collection method: clinical testing. Allele origin: germline.
Comment: This sequence change replaces alanine, which is neutral and non-polar, with valine, which is neutral and non-polar, at codon 84 of the CHAT protein (p.Ala84Val). The frequency data for this variant in the population databases is considered unreliable, as metrics indicate poor data quality at this position in the gnomAD database. This variant has not been reported in the literature in individuals affected with CHAT-related conditions. Invitae Evidence Modeling of protein sequence and biophysical properties (such as structural, functional, and spatial information, amino acid conservation, physicochemical variation, residue mobility, and thermodynamic stability) indicates that this missense variant is not expected to disrupt CHAT protein function with a negative predictive value of 95%. In summary, the available evidence is currently insufficient to determine the role of this variant in disease. Therefore, it has been classified as a Variant of Uncertain Significance.

NM_020549.5(CHAT):c.251C>T (p.Ala84Val)

Gene: CHAT (choline O-acetyltransferase; plus strand). Cytogenetic location: 10q11.23.
Variant type: single nucleotide variant.
Coding change: c.251C>T on transcript NM_020549.5 (MANE Select); coding-DNA position 251, C replaced by T.
Protein change: p.Ala84Val; replaces alanine 84 with valine.
Molecular consequence: missense variant. On other transcripts: 5 prime UTR variant (4), intron variant (2).
Genome position (GRCh38, 1-based): chr10:49,614,440, C>T. VCF-style: chr10-49614440-C-T. GRCh37 (hg19) VCF-style: chr10-50822486-C-T.
Other names: c.-104C>T (NM_001142929.2, NM_020985.4); c.-66C>T (NM_001142933.2); c.-174C>T (NM_001142934.2); c.-68-2062C>T (NM_020984.4); c.-69+1238C>T (NM_020986.4); short protein forms A84V.
Identifiers: ClinVar variation 4767018 (VCV004767018.1).
Genomic context (GRCh38, chr10:49,614,440, plus strand): 5'-CGACACGCCCCCCACCCCTTCCGGCTCACACCCCCGCCCACACTCCTGAGTGGTGCGGTG[C>T]AGCGTCGGCCGAGGCAGCAGAGCCGAGGAGAGCAGGTGAGAAGAAGGGCTGGGCTGGGCT-3'
Protein context (NP_065574.4, residues 74-94): TPAHTPEWCG[Ala84Val]ASAEAAEPRR